The following is an entry in ClinVar:

ClinVar aggregate classification (germline): Uncertain significance (1 of 4 stars; one submission).

Submission:

Labcorp Genetics (formerly Invitae), Labcorp
Classification: Uncertain significance. Last evaluated: 2023-10-14. Review status: criteria provided, single submitter. Criteria: Invitae Variant Classification Sherloc (09022015). Collection method: clinical testing. Allele origin: germline.
Comment: This sequence change replaces leucine, which is neutral and non-polar, with valine, which is neutral and non-polar, at codon 865 of the NUP160 protein (p.Leu865Val). This variant is not present in population databases (gnomAD no frequency). This variant has not been reported in the literature in individuals affected with NUP160-related conditions. An algorithm developed to predict the effect of missense changes on protein structure and function (PolyPhen-2) suggests that this variant is likely to be tolerated. Algorithms developed to predict the effect of sequence changes on RNA splicing suggest that this variant may create or strengthen a splice site. In summary, the available evidence is currently insufficient to determine the role of this variant in disease. Therefore, it has been classified as a Variant of Uncertain Significance.

NM_015231.3(NUP160):c.2491T>G (p.Leu831Val)

Gene: NUP160 (nucleoporin 160; minus strand). Cytogenetic location: 11p11.2.
Variant type: single nucleotide variant.
Coding change: c.2491T>G on transcript NM_015231.3 (MANE Select); coding-DNA position 2491, T replaced by G.
Protein change: p.Leu831Val; replaces leucine 831 with valine.
Molecular consequence: missense variant. On other transcripts: non-coding transcript variant (1).
Genome position (GRCh38, 1-based): chr11:47,806,166, A>C on the plus strand (T>G on the coding strand, the complement: NUP160 is on the minus strand). VCF-style: chr11-47806166-A-C. GRCh37 (hg19) VCF-style: chr11-47827718-A-C.
Other names: short protein forms L831V.
Identifiers: ClinVar variation 2768187 (VCV002768187.3), dbSNP rs2494740804, ClinGen allele CA380378258.
Genomic context (GRCh38, chr11:47,806,166, plus strand): 5'-GCCCGGCCAGAAGAGAGCTTTTCACTGGCTTCTAAATAAAAGGATACAAAAGCTGCAATA[A>C]ATAACTGGTAATTGCAGTAATCATTTCAGGCCAATTCAATCCAGTTTGGCTCAGAGGTGC-3'
Protein context (NP_056046.2, residues 821-841): PEMITAITSY[Leu831Val]LQLLWPSNPG